The following is an entry in ClinVar:

ClinVar aggregate classification (germline): Uncertain significance (1 of 4 stars; one submission).

Allele frequency attached by ClinVar (database versions not stated): ExAC 0.00001; gnomAD 0.00001.
gnomAD v4.1: 4 of 1,613,876 alleles (0.00025%); highest among the groups gnomAD compares: Admixed American, 0.0033%; no homozygotes.

Submission:

Labcorp Genetics (formerly Invitae), Labcorp
Classification: Uncertain significance. Last evaluated: 2022-07-19. Review status: criteria provided, single submitter. Criteria: Invitae Variant Classification Sherloc (09022015). Collection method: clinical testing. Allele origin: germline.
Comment: In summary, the available evidence is currently insufficient to determine the role of this variant in disease. Therefore, it has been classified as a Variant of Uncertain Significance. Algorithms developed to predict the effect of missense changes on protein structure and function output the following: SIFT: "Tolerated"; PolyPhen-2: "Benign"; Align-GVGD: "Class C0". The arginine amino acid residue is found in multiple mammalian species, which suggests that this missense change does not adversely affect protein function. This variant has not been reported in the literature in individuals affected with KIAA1549-related conditions. This variant is present in population databases (rs746575392, gnomAD 0.006%). This sequence change replaces lysine, which is basic and polar, with arginine, which is basic and polar, at codon 130 of the KIAA1549 protein (p.Lys130Arg).

NM_001164665.2(KIAA1549):c.389A>G (p.Lys130Arg)

Gene: KIAA1549 (KIAA1549; minus strand). Cytogenetic location: 7q34.
Variant type: single nucleotide variant.
Coding change: c.389A>G on transcript NM_001164665.2 (MANE Select); coding-DNA position 389, A replaced by G.
Protein change: p.Lys130Arg; replaces lysine 130 with arginine.
Molecular consequence: missense variant.
Genome position (GRCh38, 1-based): chr7:138,919,237, T>C on the plus strand (A>G on the coding strand, the complement: KIAA1549 is on the minus strand). VCF-style: chr7-138919237-T-C. GRCh37 (hg19) VCF-style: chr7-138603983-T-C.
Other names: c.389A>G, p.Lys130Arg (NM_020910.3); short protein forms K130R.
Identifiers: ClinVar variation 1966711 (VCV001966711.5), dbSNP rs746575392, ClinGen allele CA4506956.